The following is an entry in ClinVar:

NM_007347.5(AP4E1):c.1271A>G (p.Tyr424Cys)

Gene: AP4E1 (adaptor related protein complex 4 subunit epsilon 1; plus strand). Cytogenetic location: 15q21.2.
Variant type: single nucleotide variant.
Coding change: c.1271A>G on transcript NM_007347.5 (MANE Select); coding-DNA position 1271, A replaced by G.
Protein change: p.Tyr424Cys; replaces tyrosine 424 with cysteine.
Molecular consequence: missense variant.
Genome position (GRCh38, 1-based): chr15:50,948,114, A>G. VCF-style: chr15-50948114-A-G. GRCh37 (hg19) VCF-style: chr15-51240311-A-G.
Other names: c.1046A>G, p.Tyr349Cys (NM_001252127.2); short protein forms Y349C, Y424C.
Identifiers: ClinVar variation 2103231 (VCV002103231.4), dbSNP rs2064088694, ClinGen allele CA392417296.

ClinVar aggregate classification (germline): Uncertain significance (1 of 4 stars; one submission).

Conditions:
Spastic paraplegia. Identifiers: MedGen C0037772, HP:0001258.

Allele frequency attached by ClinVar (database versions not stated): gnomAD 0.00001.
gnomAD v4.1: 1 of 1,613,874 alleles (0.000062%); highest among the groups gnomAD compares: Non-Finnish European, 0.000085%; no homozygotes.

Submission:

Labcorp Genetics (formerly Invitae), Labcorp
Classification: Uncertain significance for Spastic paraplegia. Last evaluated: 2024-11-11. Review status: criteria provided, single submitter. Criteria: Invitae Variant Classification Sherloc (09022015). Collection method: clinical testing. Allele origin: germline.
Comment: This sequence change replaces tyrosine, which is neutral and polar, with cysteine, which is neutral and slightly polar, at codon 424 of the AP4E1 protein (p.Tyr424Cys). This variant is not present in population databases (gnomAD no frequency). This variant has not been reported in the literature in individuals affected with AP4E1-related conditions. ClinVar contains an entry for this variant (Variation ID: 2103231). An algorithm developed to predict the effect of missense changes on protein structure and function (PolyPhen-2) suggests that this variant is likely to be tolerated. In summary, the available evidence is currently insufficient to determine the role of this variant in disease. Therefore, it has been classified as a Variant of Uncertain Significance.